The following is an entry in ClinVar:

NM_002230.4(JUP):c.1207G>T (p.Asp403Tyr)

Gene: JUP (junction plakoglobin; minus strand). Cytogenetic location: 17q21.2.
Variant type: single nucleotide variant.
Coding change: c.1207G>T on transcript NM_002230.4 (MANE Select); coding-DNA position 1207, G replaced by T.
Protein change: p.Asp403Tyr; replaces aspartic acid 403 with tyrosine.
Molecular consequence: missense variant.
Genome position (GRCh38, 1-based): chr17:41,763,273, C>A on the plus strand (G>T on the coding strand, the complement: JUP is on the minus strand). VCF-style: chr17-41763273-C-A. GRCh37 (hg19) VCF-style: chr17-39919525-C-A.
Other names: c.1207G>T, p.Asp403Tyr (NM_001352773.2, NM_001352774.2, NM_001352775.2 and 3 more transcripts); short protein forms D403Y.
Identifiers: ClinVar variation 1946961 (VCV001946961.5), dbSNP rs2544110484, ClinGen allele CA399498054.

ClinVar aggregate classification (germline): Uncertain significance (1 of 4 stars; one submission).

Conditions:
Arrhythmogenic right ventricular dysplasia 12. Also called: ARRHYTHMOGENIC RIGHT VENTRICULAR DYSPLASIA, FAMILIAL, 12. Identifiers: MedGen C1969081, MONDO:0012684, OMIM 611528.
Naxos disease (NXD). Also called: CARDIOMYOPATHY, ARRHYTHMOGENIC RIGHT VENTRICULAR, WITH SKIN, HAIR, AND NAIL ABNORMALITIES; KERATOSIS PALMOPLANTARIS WITH ARRHYTHMOGENIC CARDIOMYOPATHY; MAL DE NAXOS; PALMOPLANTAR KERATODERMA WITH ARRHYTHMOGENIC RIGHT VENTRICULAR CARDIOMYOPATHY AND WOOLLY HAIR; WOOLLY HAIR, PALMOPLANTAR KERATODERMA, AND CARDIAC ABNORMALITIES. Identifiers: Orphanet 34217, MedGen C1832600, MONDO:0011017, OMIM 601214.

Allele frequency attached by ClinVar (database versions not stated): gnomAD exomes below 0.00001.
gnomAD v4.1: 1 of 1,614,162 alleles (0.000062%); highest among the groups gnomAD compares: Non-Finnish European, 0.000085%; no homozygotes.

Submission:

Labcorp Genetics (formerly Invitae), Labcorp
Classification: Uncertain significance for Arrhythmogenic right ventricular dysplasia 12; Naxos disease. Last evaluated: 2022-07-29. Review status: criteria provided, single submitter. Criteria: Invitae Variant Classification Sherloc (09022015). Collection method: clinical testing. Allele origin: germline.
Comment: This sequence change replaces aspartic acid, which is acidic and polar, with tyrosine, which is neutral and polar, at codon 403 of the JUP protein (p.Asp403Tyr). This variant is not present in population databases (gnomAD no frequency). This variant has not been reported in the literature in individuals affected with JUP-related conditions. Algorithms developed to predict the effect of missense changes on protein structure and function are either unavailable or do not agree on the potential impact of this missense change (SIFT: "Deleterious"; PolyPhen-2: "Possibly Damaging"; Align-GVGD: "Class C0"). In summary, the available evidence is currently insufficient to determine the role of this variant in disease. Therefore, it has been classified as a Variant of Uncertain Significance.